The following is an entry in ClinVar:

ClinVar aggregate classification (germline): Uncertain significance (0 of 4 stars; one submission).

Conditions:
QRICH1-related disorder. Also called: QRICH1-related condition.

Submission:

PreventionGenetics, part of Exact Sciences
Classification: Uncertain significance for QRICH1-related condition. Last evaluated: 2024-09-25. Review status: no assertion criteria provided. Collection method: clinical testing. Allele origin: germline.
Comment: The QRICH1 c.2209C>A variant is predicted to result in the amino acid substitution p.Pro737Thr. To our knowledge, this variant has not been reported in the literature or in a large population database, indicating this variant is rare. At this time, the clinical significance of this variant is uncertain due to the absence of conclusive functional and genetic evidence.

NM_198880.3(QRICH1):c.2209C>A (p.Pro737Thr)

Gene: QRICH1 (glutamine rich 1; minus strand). Cytogenetic location: 3p21.31.
Variant type: single nucleotide variant.
Coding change: c.2209C>A on transcript NM_198880.3 (MANE Select); coding-DNA position 2209, C replaced by A.
Protein change: p.Pro737Thr; replaces proline 737 with threonine.
Molecular consequence: missense variant.
Genome position (GRCh38, 1-based): chr3:49,030,574, G>T on the plus strand (C>A on the coding strand, the complement: QRICH1 is on the minus strand). VCF-style: chr3-49030574-G-T. GRCh37 (hg19) VCF-style: chr3-49068007-G-T.
Other names: c.2209C>A, p.Pro737Thr (NM_001320580.2, NM_001320581.2, NM_001320582.2 and 4 more transcripts); short protein forms P737T.
Identifiers: ClinVar variation 3346345 (VCV003346345.1).